The following is an entry in ClinVar:

ClinVar aggregate classification (germline): Uncertain significance (1 of 4 stars; one submission).

gnomAD v4.1: 7 of 1,605,088 alleles (0.00044%); highest among the groups gnomAD compares: African/African-American, 0.0094%; no homozygotes.

Submission:

Mayo Clinic Laboratories, Mayo Clinic
Classification: Uncertain significance. Last evaluated: 2025-11-04. Review status: criteria provided, single submitter. Criteria: ACMG Guidelines, 2015. Collection method: clinical testing. Allele origin: germline. Observed: 1 variant allele.
Comment: BP4_moderate

NM_139027.6(ADAMTS13):c.3029A>G (p.Glu1010Gly)

Gene: ADAMTS13 (ADAM metallopeptidase with thrombospondin type 1 motif 13; plus strand). Cytogenetic location: 9q34.2.
Variant type: single nucleotide variant.
Coding change: c.3029A>G on transcript NM_139027.6 (MANE Select); coding-DNA position 3029, A replaced by G.
Protein change: p.Glu1010Gly; replaces glutamic acid 1010 with glycine.
Molecular consequence: missense variant. On other transcripts: non-coding transcript variant (1).
Genome position (GRCh38, 1-based): chr9:133,449,950, A>G. VCF-style: chr9-133449950-A-G. GRCh37 (hg19) VCF-style: chr9-136315071-A-G.
Other names: p.Glu1010Gly; c.3029A>G, p.Glu1010Gly (NM_139025.5); c.2936A>G, p.Glu979Gly (NM_139026.6); short protein forms E979G, E1010G.
Identifiers: ClinVar variation 4541509 (VCV004541509.1).